The following is an entry in ClinVar:

ClinVar aggregate classification (germline): Uncertain significance. Review status: criteria provided, multiple submitters, no conflicts (2 of 4 stars). 3 submissions from 3 submitters: Uncertain significance (3). Last evaluated 2025-11-12.

Conditions:
Inborn genetic diseases. Identifiers: MedGen C0950123, MeSH D030342.

Allele frequency attached by ClinVar (database versions not stated): gnomAD exomes 0.00001 and 0.00002; ExAC 0.00003; gnomAD 0.00005; TOPMed 0.00005.
gnomAD v4.1: 29 of 1,613,792 alleles (0.0018%); highest among the groups gnomAD compares: Middle Eastern, 0.016%; no homozygotes.

Submissions (3):

Ambry Genetics
Classification: Uncertain significance for Inborn genetic diseases. Last evaluated: 2025-11-12. Review status: criteria provided, single submitter. Criteria: Ambry Variant Classification Scheme 2023. Collection method: clinical testing. Allele origin: germline.

Blueprint Genetics
Classification: Uncertain significance. Last evaluated: 2023-06-01. Review status: criteria provided, single submitter. Criteria: ACMG Guidelines, 2015. Collection method: clinical testing. Allele origin: germline.

Labcorp Genetics (formerly Invitae), Labcorp
Classification: Uncertain significance. Last evaluated: 2022-07-26. Review status: criteria provided, single submitter. Criteria: Invitae Variant Classification Sherloc (09022015). Collection method: clinical testing. Allele origin: germline.
Comment: This sequence change replaces threonine, which is neutral and polar, with methionine, which is neutral and non-polar, at codon 732 of the GRM6 protein (p.Thr732Met). This variant is present in population databases (rs769306495, gnomAD 0.007%). This variant has not been reported in the literature in individuals affected with GRM6-related conditions. ClinVar contains an entry for this variant (Variation ID: 971063). Advanced modeling of protein sequence and biophysical properties (such as structural, functional, and spatial information, amino acid conservation, physicochemical variation, residue mobility, and thermodynamic stability) performed at Invitae indicates that this missense variant is not expected to disrupt GRM6 protein function. In summary, the available evidence is currently insufficient to determine the role of this variant in disease. Therefore, it has been classified as a Variant of Uncertain Significance.

NM_000843.4(GRM6):c.2195C>T (p.Thr732Met)

Genes: GRM6 (glutamate metabotropic receptor 6; minus strand), ZNF454 (zinc finger protein 454; plus strand). Cytogenetic location: 5q35.3.
Variant type: single nucleotide variant.
Coding change: c.2195C>T on transcript NM_000843.4 (MANE Select); coding-DNA position 2195, C replaced by T.
Protein change: p.Thr732Met; replaces threonine 732 with methionine.
Molecular consequence: missense variant.
Genome position (GRCh38, 1-based): chr5:178,983,151, G>A on the plus strand (C>T on the coding strand, the complement: GRM6 is on the minus strand). VCF-style: chr5-178983151-G-A. GRCh37 (hg19) VCF-style: chr5-178410152-G-A.
Other names: short protein forms T732M.
Identifiers: ClinVar variation 971063 (VCV000971063.8), dbSNP rs769306495, ClinGen allele CA3593605.